The following is an entry in ClinVar:

NM_001148.6(ANK2):c.8326_8327delinsTT (p.Gly2776Leu)

Gene: ANK2 (ankyrin 2; plus strand). Cytogenetic location: 4q26.
Variant type: Indel.
Coding change: c.8326_8327delinsTT on transcript NM_001148.6 (MANE Select); coding-DNA positions 8326 to 8327, GG replaced by TT.
Protein change: p.Gly2776Leu; replaces glycine 2776 with leucine.
Molecular consequence: missense variant. On other transcripts: intron variant (68).
Genome position (GRCh38, 1-based): chr4:113,356,944-113,356,945, GG replaced by TT. VCF-style: chr4-113356944-GG-TT. GRCh37 (hg19) VCF-style: chr4-114278100-GG-TT.
Other names: c.4484-3879_4484-3878delinsTT (NM_001386152.1); c.4505-3879_4505-3878delinsTT (NM_001354237.2); c.4406-3879_4406-3878delinsTT (NM_001354230.2); c.4469-3879_4469-3878delinsTT (NM_001354231.2, NM_001354242.2); c.4472-3879_4472-3878delinsTT (NM_001386144.1, NM_001354240.2, NM_001354241.2); c.1991-3879_1991-3878delinsTT (NM_001354279.2, NM_001354282.2); c.1976-3879_1976-3878delinsTT (NM_001354280.2); c.1955-3879_1955-3878delinsTT (NM_001354278.2, NM_001354281.2); and 35 more; short protein forms G1576L, G2698L, G2815L, G2776L, G2823L.
Identifiers: ClinVar variation 2761123 (VCV002761123.3), dbSNP rs2505836699, ClinGen allele CA2697546882.

ClinVar aggregate classification (germline): Uncertain significance (1 of 4 stars; one submission).

Conditions:
Long QT syndrome (LQTS). Identifiers: MedGen C0023976, MeSH D008133, MONDO:0002442. Disease mechanism: loss of function. Inheritance: Various modes of inheritance.

Submission:

Labcorp Genetics (formerly Invitae), Labcorp
Classification: Uncertain significance for Long QT syndrome. Last evaluated: 2023-07-26. Review status: criteria provided, single submitter. Criteria: Invitae Variant Classification Sherloc (09022015). Collection method: clinical testing. Allele origin: germline.
Comment: An algorithm developed to predict the effect of missense changes on protein structure and function (PolyPhen-2) suggests that this variant is likely to be disruptive. This sequence change replaces glycine, which is neutral and non-polar, with leucine, which is neutral and non-polar, at codon 2776 of the ANK2 protein (p.Gly2776Leu). Information on the frequency of this variant in the gnomAD database is not available, as this variant may be reported differently in the database. This variant has not been reported in the literature in individuals affected with ANK2-related conditions. In summary, the available evidence is currently insufficient to determine the role of this variant in disease. Therefore, it has been classified as a Variant of Uncertain Significance.